The following is an entry in ClinVar:

NM_001029883.3(PCARE):c.2298del (p.Arg767fs)

Gene: PCARE (photoreceptor cilium actin regulator; minus strand). Cytogenetic location: 2p23.2.
Variant type: Deletion.
Coding change: c.2298del on transcript NM_001029883.3 (MANE Select); coding-DNA position 2298, one base deleted (C; older notation c.2298delC).
Protein change: p.Arg767fs; shifts the reading frame from arginine 767.
Molecular consequence: frameshift variant.
Genome position (GRCh38, 1-based): chr2:29,071,964, G deleted on the plus strand (C on the coding strand, the reverse complement: PCARE is on the minus strand); the first of 6 consecutive G bases (chr2:29,071,964-29,071,969); deleting any one gives the same sequence. VCF-style (leftmost placement, unchanged base first): chr2-29071963-TG-T. GRCh37 (hg19) VCF-style: chr2-29294829-TG-T.
Other names: short protein forms R767fs.
Identifiers: ClinVar variation 545943 (VCV000545943.7), dbSNP rs1553354660, ClinGen allele CA658822159.

ClinVar aggregate classification (germline): Pathogenic/Likely pathogenic. Review status: criteria provided, multiple submitters, no conflicts (2 of 4 stars). 2 submissions from 2 submitters: Pathogenic (1); Likely pathogenic (1). Last evaluated 2022-07-11.

Submissions (2):

Labcorp Genetics (formerly Invitae), Labcorp
Classification: Pathogenic. Last evaluated: 2022-07-11. Review status: criteria provided, single submitter. Criteria: Invitae Variant Classification Sherloc (09022015). Collection method: clinical testing. Allele origin: germline.
Comment: ClinVar contains an entry for this variant (Variation ID: 545943). This variant has not been reported in the literature in individuals affected with PCARE-related conditions. This variant is not present in population databases (gnomAD no frequency). This sequence change creates a premature translational stop signal (p.Arg767Aspfs*30) in the PCARE gene. It is expected to result in an absent or disrupted protein product. Loss-of-function variants in PCARE are known to be pathogenic (PMID: 20398886, 24339724, 26496393). For these reasons, this variant has been classified as Pathogenic.

GeneDx
Classification: Likely pathogenic. Last evaluated: 2018-05-11. Review status: criteria provided, single submitter. Criteria: GeneDx Variant Classification (06012015). Collection method: clinical testing. Allele origin: germline. Affected: yes.
Comment: The c.2298delC variant in the C2orf71 gene has not been reported previously as a pathogenic variant nor as a benign variant, to our knowledge. The c.2298delC variant causes a frameshift starting with codon Arginine 767, changes this amino acid to an Aspartic Acid residue, and creates a premature Stop codon at position 30 of the new reading frame, denoted p.Arg767AspfsX30. This variant is predicted to cause loss of normal protein function either through protein truncation or nonsense-mediated mRNA decay. The c.2298delC variant is not observed in large population cohorts (Lek et al., 2016). We interpret c.2298delC as a likely pathogenic variant.

Literature cited by the submitters: PubMed 20398886 (cited by Labcorp Genetics (formerly Invitae), Labcorp); PubMed 24339724 (cited by Labcorp Genetics (formerly Invitae), Labcorp); PubMed 26496393 (cited by Labcorp Genetics (formerly Invitae), Labcorp).